The following is an entry in ClinVar:

NM_006946.4(SPTBN2):c.5431C>T (p.Arg1811Cys)

Gene: SPTBN2 (spectrin beta, non-erythrocytic 2; minus strand). Cytogenetic location: 11q13.2.
Variant type: single nucleotide variant.
Coding change: c.5431C>T on transcript NM_006946.4 (MANE Select); coding-DNA position 5431, C replaced by T.
Protein change: p.Arg1811Cys; replaces arginine 1811 with cysteine.
Molecular consequence: missense variant.
Genome position (GRCh38, 1-based): chr11:66,691,418, G>A on the plus strand (C>T on the coding strand, the complement: SPTBN2 is on the minus strand). VCF-style: chr11-66691418-G-A. GRCh37 (hg19) VCF-style: chr11-66458889-G-A.
Other names: c.5452C>T, p.Arg1818Cys (NM_001411025.1); short protein forms R1811C, R1818C.
Identifiers: ClinVar variation 3393025 (VCV003393025.1).

ClinVar aggregate classification (germline): Uncertain significance (1 of 4 stars; one submission).

Conditions:
Spinocerebellar ataxia type 5 (SCA5). Identifiers: Orphanet 98766, MedGen C0752123, MONDO:0010848, OMIM 600224.

gnomAD v4.1: 21 of 1,612,114 alleles (0.0013%); highest among the groups gnomAD compares: East Asian, 0.0022%; no homozygotes.

Submission:

Department of Human Genetics, Hannover Medical School
Classification: Uncertain significance for Spinocerebellar ataxia type 5. Last evaluated: 2025-01-02. Review status: criteria provided, single submitter. Criteria: ACMG Guidelines, 2015. Collection method: clinical testing. Allele origin: germline. Affected: yes.
Comment: ACMG: PP2, BP4